The following is an entry in ClinVar:

ClinVar aggregate classification (germline): Uncertain significance (1 of 4 stars; one submission).

Conditions:
Centromeric instability of chromosomes 1,9 and 16 and immunodeficiency (ICF1). Also called: Immunodeficiency-centromeric instability-facial anomalies; IMMUNE DEFICIENCY, VARIABLE, WITH CENTROMERIC INSTABILITY OF CHROMOSOMES 1, 9, AND 16; IMMUNODEFICIENCY SYNDROME, VARIABLE; CENTROMERIC INSTABILITY, IMMUNODEFICIENCY SYNDROME. Identifiers: Orphanet 2268, MedGen C0398788, MONDO:0000133.

Submission:

Labcorp Genetics (formerly Invitae), Labcorp
Classification: Uncertain significance for Centromeric instability of chromosomes 1,9 and 16 and immunodeficiency. Last evaluated: 2021-09-01. Review status: criteria provided, single submitter. Criteria: Invitae Variant Classification Sherloc (09022015). Collection method: clinical testing. Allele origin: germline.
Comment: This sequence change replaces proline with glutamine at codon 159 of the DNMT3B protein (p.Pro159Gln). The proline residue is moderately conserved and there is a moderate physicochemical difference between proline and glutamine. This variant is not present in population databases (ExAC no frequency). This variant has not been reported in the literature in individuals affected with DNMT3B-related conditions. Algorithms developed to predict the effect of missense changes on protein structure and function (SIFT, PolyPhen-2, Align-GVGD) all suggest that this variant is likely to be tolerated. In summary, the available evidence is currently insufficient to determine the role of this variant in disease. Therefore, it has been classified as a Variant of Uncertain Significance.

NM_006892.4(DNMT3B):c.476C>A (p.Pro159Gln)

Gene: DNMT3B (DNA methyltransferase 3 beta; plus strand). Cytogenetic location: 20q11.21.
Variant type: single nucleotide variant.
Coding change: c.476C>A on transcript NM_006892.4 (MANE Select); coding-DNA position 476, C replaced by A.
Protein change: p.Pro159Gln; replaces proline 159 with glutamine.
Molecular consequence: missense variant.
Genome position (GRCh38, 1-based): chr20:32,787,273, C>A. VCF-style: chr20-32787273-C-A. GRCh37 (hg19) VCF-style: chr20-31375079-C-A.
Other names: c.350C>A, p.Pro117Gln (NM_001207055.2); c.248C>A, p.Pro83Gln (NM_001207056.2); c.476C>A, p.Pro159Gln (NM_175848.2, NM_175849.2); c.512C>A, p.Pro171Gln (NM_175850.3); short protein forms P171Q, P83Q, P117Q, P159Q.
Identifiers: ClinVar variation 639732 (VCV000639732.7), dbSNP rs764064020, ClinGen allele CA408586500.